The following is an entry in ClinVar:

ClinVar aggregate classification (germline): Uncertain significance (1 of 4 stars; one submission).

Conditions:
MC3R-related disorder. Also called: MC3R-related condition.

Submission:

PreventionGenetics, part of Exact Sciences
Classification: Uncertain significance for MC3R-related condition. Last evaluated: 2024-10-09. Review status: criteria provided, single submitter. Criteria: ACMG Guidelines, 2015. Collection method: clinical testing. Allele origin: germline.
Comment: The MC3R c.740T>C variant is predicted to result in the amino acid substitution p.Leu247Pro. To our knowledge, this variant has not been reported in the literature or in a large population database (gnomAD), indicating this variant is rare. At this time, the clinical significance of this variant is uncertain due to the absence of conclusive functional and genetic evidence.

NM_019888.3(MC3R):c.740T>C (p.Leu247Pro)

Gene: MC3R (melanocortin 3 receptor; plus strand). Cytogenetic location: 20q13.2.
Variant type: single nucleotide variant.
Coding change: c.740T>C on transcript NM_019888.3 (MANE Select); coding-DNA position 740, T replaced by C.
Protein change: p.Leu247Pro; replaces leucine 247 with proline.
Molecular consequence: missense variant.
Genome position (GRCh38, 1-based): chr20:56,249,583, T>C. VCF-style: chr20-56249583-T-C. GRCh37 (hg19) VCF-style: chr20-54824639-T-C.
Other names: short protein forms L247P.
Identifiers: ClinVar variation 5001279 (VCV005001279.1).